The following is an entry in ClinVar:

ClinVar aggregate classification (germline): Uncertain significance. Review status: criteria provided, multiple submitters, no conflicts (2 of 4 stars). 2 submissions from 2 submitters: Uncertain significance (2). Last evaluated 2024-04-25.

Conditions:
Developmental and epileptic encephalopathy, 11 (DEE11). Also called: Early infantile epileptic encephalopathy 11. Identifiers: Orphanet 1934, MedGen C3150987, MONDO:0013388, OMIM 613721.
Episodic ataxia, type 9. Identifiers: MedGen C5394520, MONDO:0030064, OMIM 618924.
Seizures, benign familial infantile, 3 (BFIS3). Also called: CONVULSIONS, BENIGN FAMILIAL INFANTILE, 3; Familial neonatal seizures. Identifiers: Orphanet 140927, Orphanet 306, MedGen C1843140, MONDO:0011904, OMIM 607745.
Inborn genetic diseases. Identifiers: MedGen C0950123, MeSH D030342.

Allele frequency attached by ClinVar (database versions not stated): gnomAD exomes 0.00001; TOPMed 0.00001.
gnomAD v4.1: 23 of 1,614,066 alleles (0.0014%); highest among the groups gnomAD compares: Non-Finnish European, 0.0018%; no homozygotes.

Submissions (2):

Fulgent Genetics
Classification: Uncertain significance for Seizures, benign familial infantile, 3; Developmental and epileptic encephalopathy, 11; Episodic ataxia, type 9. Last evaluated: 2024-04-25. Review status: criteria provided, single submitter. Criteria: ACMG Guidelines, 2015. Collection method: clinical testing. Allele origin: germline.

Ambry Genetics
Classification: Uncertain significance for Inborn genetic diseases. Last evaluated: 2018-04-26. Review status: criteria provided, single submitter. Criteria: Ambry Variant Classification Scheme 2023. Collection method: clinical testing. Allele origin: germline.
Comment: The p.V1282F variant (also known as c.3844G>T), located in coding exon 19 of the SCN2A gene, results from a G to T substitution at nucleotide position 3844. The valine at codon 1282 is replaced by phenylalanine, an amino acid with highly similar properties. This amino acid position is highly conserved in available vertebrate species. In addition, this alteration is predicted to be deleterious by in silico analysis. Since supporting evidence is limited at this time, the clinical significance of this alteration remains unclear.

NM_001040142.2(SCN2A):c.3844G>T (p.Val1282Phe)

Gene: SCN2A (sodium voltage-gated channel alpha subunit 2; plus strand). Cytogenetic location: 2q24.3.
Variant type: single nucleotide variant.
Coding change: c.3844G>T on transcript NM_001040142.2 (MANE Select); coding-DNA position 3844, G replaced by T.
Protein change: p.Val1282Phe; replaces valine 1282 with phenylalanine.
Molecular consequence: missense variant.
Genome position (GRCh38, 1-based): chr2:165,370,294, G>T. VCF-style: chr2-165370294-G-T. GRCh37 (hg19) VCF-style: chr2-166226804-G-T.
Other names: c.3844G>T, p.Val1282Phe (NM_001040143.2, NM_001371246.1, NM_001371247.1 and 1 more transcripts); short protein forms V1282F.
Identifiers: ClinVar variation 985517 (VCV000985517.4), dbSNP rs1184922927, ClinGen allele CA349028510.